The following is an entry in ClinVar:

NM_000400.4(ERCC2):c.343T>A (p.Leu115Met)

Gene: ERCC2 (ERCC excision repair 2, TFIIH core complex helicase subunit; minus strand). Cytogenetic location: 19q13.32.
Variant type: single nucleotide variant.
Coding change: c.343T>A on transcript NM_000400.4 (MANE Select); coding-DNA position 343, T replaced by A.
Protein change: p.Leu115Met; replaces leucine 115 with methionine.
Molecular consequence: missense variant.
Genome position (GRCh38, 1-based): chr19:45,368,647, A>T on the plus strand (T>A on the coding strand, the complement: ERCC2 is on the minus strand). VCF-style: chr19-45368647-A-T. GRCh37 (hg19) VCF-style: chr19-45871905-A-T.
Other names: c.271T>A, p.Leu91Met (NM_001130867.2); short protein forms L91M, L115M.
Identifiers: ClinVar variation 1731464 (VCV001731464.2), dbSNP rs2514043682, ClinGen allele CA406378033.

ClinVar aggregate classification (germline): Uncertain significance (1 of 4 stars; one submission).

Conditions:
Inborn genetic diseases. Identifiers: MedGen C0950123, MeSH D030342.

Submission:

Ambry Genetics
Classification: Uncertain significance for Inborn genetic diseases. Last evaluated: 2021-11-23. Review status: criteria provided, single submitter. Criteria: Ambry Variant Classification Scheme 2023. Collection method: clinical testing. Allele origin: germline.
Comment: The p.L115M variant (also known as c.343T>A), located in coding exon 5 of the ERCC2 gene, results from a T to A substitution at nucleotide position 343. The leucine at codon 115 is replaced by methionine, an amino acid with highly similar properties. This amino acid position is conserved. In addition, the in silico prediction for this alteration is inconclusive. Since supporting evidence is limited at this time, the clinical significance of this alteration remains unclear.